The following is an entry in ClinVar:

ClinVar aggregate classification (germline): Likely benign. Review status: criteria provided, multiple submitters, no conflicts (2 of 4 stars). 5 submissions from 2 submitters: Likely benign (5). Last evaluated 2018-12-05.

Conditions:
Progressive external ophthalmoplegia with mitochondrial DNA deletions, autosomal dominant 3. Also called: PROGRESSIVE EXTERNAL OPHTHALMOPLEGIA, AUTOSOMAL DOMINANT 3. Identifiers: MedGen C1836439, MONDO:0012241, OMIM 609286.
Autosomal recessive cerebellar ataxia. Also called: Spinocerebellar ataxia, autosomal recessive; Spinocerebellar Ataxia, Recessive. Identifiers: Orphanet 1172, MedGen C5575375, MONDO:0015244.
Infantile onset spinocerebellar ataxia (MTDPS7). Also called: OHAHA SYNDROME; SPINOCEREBELLAR ATAXIA, INFANTILE, WITH SENSORY NEUROPATHY; Mitochondrial DNA depletion syndrome 7 (hepatocerebral type); OPHTHALMOPLEGIA, HYPOTONIA, ATAXIA, HYPOACUSIS, AND ATHETOSIS. Identifiers: Orphanet 1186, MedGen C1849096, MONDO:0010060, OMIM 271245.
Sensory ataxic neuropathy, dysarthria, and ophthalmoparesis (SANDO). Also called: SENSORY ATAXIC NEUROPATHY WITH MITOCHONDRIAL DNA DELETIONS, AUTOSOMAL RECESSIVE; Ataxia Neuropathy Spectrum (ANS); Sensory ataxic neuropathy-dysarthria-ophthalmoparesis syndrome; Epilepsy, progressive myoclonic, type 5. Identifiers: Orphanet 70595, MedGen C1843851, MONDO:0011835, OMIM 607459.

Allele frequency attached by ClinVar (database versions not stated): gnomAD exomes 0.00080; 1000 Genomes Project 0.00539; gnomAD 0.00673 and 0.00734; 1000 Genomes Project 30x 0.00687; TOPMed 0.00745.
gnomAD v4.1: 1,419 of 634,762 alleles (0.22%); highest among the groups gnomAD compares: African/African-American, 2.3%; 15 homozygotes.

Submissions (5):

GeneDx
Classification: Likely benign. Last evaluated: 2018-12-05. Review status: criteria provided, single submitter. Criteria: GeneDx Variant Classification Process June 2021. Collection method: clinical testing. Allele origin: germline. Affected: yes.

Illumina Laboratory Services, Illumina
Classification: Likely benign for Autosomal recessive cerebellar ataxia. Last evaluated: 2017-04-27. Review status: criteria provided, single submitter. Criteria: ICSL Variant Classification Criteria 13 December 2019. Collection method: clinical testing. Allele origin: germline.
Comment: This variant was observed as part of a predisposition screen in an ostensibly healthy population. A literature search was performed for the gene, cDNA change, and amino acid change (where applicable). No publications were found based on this search. Allele frequency data from public databases allowed determination this variant is unlikely to cause disease. Therefore, this variant is classified as likely benign.

Illumina Laboratory Services, Illumina
Classification: Likely benign for Infantile onset spinocerebellar ataxia. Last evaluated: 2017-04-27. Review status: criteria provided, single submitter. Criteria: ICSL Variant Classification Criteria 13 December 2019. Collection method: clinical testing. Allele origin: germline.
Comment: the same text as in the submission from Illumina Laboratory Services, Illumina above.

Illumina Laboratory Services, Illumina
Classification: Likely benign for Progressive external ophthalmoplegia with mitochondrial DNA deletions, autosomal dominant 3. Last evaluated: 2017-04-27. Review status: criteria provided, single submitter. Criteria: ICSL Variant Classification Criteria 13 December 2019. Collection method: clinical testing. Allele origin: germline.
Comment: the same text as in the submission from Illumina Laboratory Services, Illumina above.

Illumina Laboratory Services, Illumina
Classification: Likely benign for Sensory ataxic neuropathy-dysarthria-ophthalmoparesis syndrome. Last evaluated: 2017-04-27. Review status: criteria provided, single submitter. Criteria: ICSL Variant Classification Criteria 13 December 2019. Collection method: clinical testing. Allele origin: germline.
Comment: the same text as in the submission from Illumina Laboratory Services, Illumina above.

NM_021830.5(TWNK):c.-241C>T

Gene: TWNK (twinkle mtDNA helicase; plus strand). Cytogenetic location: 10q24.31.
Variant type: single nucleotide variant.
Coding change: c.-241C>T on transcript NM_021830.5 (MANE Select); 241 bases upstream of the start codon, C replaced by T.
Molecular consequence: 5 prime UTR variant. On other transcripts: non-coding transcript variant (4), intron variant (3).
Genome position (GRCh38, 1-based): chr10:100,987,970, C>T. VCF-style: chr10-100987970-C-T. GRCh37 (hg19) VCF-style: chr10-102747727-C-T.
Other names: c.-241C>T (NM_001163812.2); c.-120+357C>T (NM_001163814.2, NM_001163813.2); c.-58+357C>T (NM_001368275.1).
Identifiers: ClinVar variation 298492 (VCV000298492.8), dbSNP rs113159821, ClinGen allele CA10627861.
Genomic context (GRCh38, chr10:100,987,970, plus strand): 5'-AGTGAGGAACTGTATAGAGGGTCATAGAGGTGAGGTGGCGGAGAGAAACTAACTAACGGA[C>T]CATAGAGGTGGGGGAGCCATTGTAGAAGGACGTGGACGCGAAAGGGTCGTGTAGATGGGC-3'